The following is an entry in ClinVar:

ClinVar aggregate classification (germline): Uncertain significance (1 of 4 stars; one submission).

Conditions:
Jeune thoracic dystrophy. Also called: Short-rib thoracic dysplasia; Jeune syndrome; Infantile thoracic dystrophy; Thoracic pelvic phalangeal dystrophy; Jeune's syndrome; Chondroectodermal dysplasia-like syndrome. Identifiers: Orphanet 474, MedGen C0265275, MONDO:0018770.

Allele frequency attached by ClinVar (database versions not stated): TOPMed below 0.00001; gnomAD 0.00001; gnomAD exomes 0.00001; ExAC 0.00002; 1000 Genomes Project 30x 0.00016; 1000 Genomes Project 0.00020.
gnomAD v4.1: 25 of 1,611,786 alleles (0.0016%); highest among the groups gnomAD compares: South Asian, 0.021%; no homozygotes.

Submission:

Labcorp Genetics (formerly Invitae), Labcorp
Classification: Uncertain significance for Jeune thoracic dystrophy. Last evaluated: 2022-01-10. Review status: criteria provided, single submitter. Criteria: Invitae Variant Classification Sherloc (09022015). Collection method: clinical testing. Allele origin: germline.
Comment: This sequence change replaces leucine, which is neutral and non-polar, with isoleucine, which is neutral and non-polar, at codon 3214 of the DYNC2H1 protein (p.Leu3214Ile). This variant is present in population databases (rs567626676, gnomAD 0.01%). This variant has not been reported in the literature in individuals affected with DYNC2H1-related conditions. Advanced modeling of protein sequence and biophysical properties (such as structural, functional, and spatial information, amino acid conservation, physicochemical variation, residue mobility, and thermodynamic stability) performed at Invitae indicates that this missense variant is not expected to disrupt DYNC2H1 protein function. In summary, the available evidence is currently insufficient to determine the role of this variant in disease. Therefore, it has been classified as a Variant of Uncertain Significance.

NM_001377.3(DYNC2H1):c.9640C>A (p.Leu3214Ile)

Gene: DYNC2H1 (dynein cytoplasmic 2 heavy chain 1; plus strand). Cytogenetic location: 11q22.3.
Variant type: single nucleotide variant.
Coding change: c.9640C>A on transcript NM_001377.3 (MANE Select); coding-DNA position 9640, C replaced by A.
Protein change: p.Leu3214Ile; replaces leucine 3214 with isoleucine.
Molecular consequence: missense variant.
Genome position (GRCh38, 1-based): chr11:103,235,744, C>A. VCF-style: chr11-103235744-C-A. GRCh37 (hg19) VCF-style: chr11-103106473-C-A.
Other names: c.9640C>A, p.Leu3214Ile (NM_001080463.2); short protein forms L3214I.
Identifiers: ClinVar variation 2079364 (VCV002079364.1), dbSNP rs567626676, ClinGen allele CA6254738.